The following is an entry in ClinVar:

NM_006922.4(SCN3A):c.137A>C (p.Glu46Ala)

Gene: SCN3A (sodium voltage-gated channel alpha subunit 3; minus strand). Cytogenetic location: 2q24.3.
Variant type: single nucleotide variant.
Coding change: c.137A>C on transcript NM_006922.4 (MANE Select); coding-DNA position 137, A replaced by C.
Protein change: p.Glu46Ala; replaces glutamic acid 46 with alanine.
Molecular consequence: missense variant.
Genome position (GRCh38, 1-based): chr2:165,176,258, T>G on the plus strand (A>C on the coding strand, the complement: SCN3A is on the minus strand). VCF-style: chr2-165176258-T-G. GRCh37 (hg19) VCF-style: chr2-166032768-T-G.
Other names: c.137A>C, p.Glu46Ala (NM_001081676.2, NM_001081677.2); short protein forms E46A.
Identifiers: ClinVar variation 641373 (VCV000641373.11), dbSNP rs1159568725, ClinGen allele CA349240986.

ClinVar aggregate classification (germline): Uncertain significance. Review status: criteria provided, multiple submitters, no conflicts (2 of 4 stars). 4 submissions from 4 submitters: Uncertain significance (4). Last evaluated 2025-06-11.

Conditions:
Epilepsy, familial focal, with variable foci 4 (FFEVF4). Identifiers: MedGen C4693694, MONDO:0054776, OMIM 617935.
Developmental and epileptic encephalopathy, 62. Also called: Early infantile epileptic encephalopathy 62. Identifiers: MedGen C4693699, MONDO:0033371, OMIM 617938.
SCN3A-related disorder. Also called: SCN3A-related condition.

Allele frequency attached by ClinVar (database versions not stated): gnomAD exomes below 0.00001; TOPMed 0.00001.

Submissions (4):

PreventionGenetics, part of Exact Sciences
Classification: Uncertain significance for SCN3A-related condition. Last evaluated: 2025-06-11. Review status: criteria provided, single submitter. Criteria: ACMG Guidelines, 2015. Collection method: clinical testing. Allele origin: germline.
Comment: The SCN3A c.137A>C variant is predicted to result in the amino acid substitution p.Glu46Ala. To our knowledge, this variant has not been reported in the literature. This variant is reported in 0.0054% of alleles in individuals of East Asian descent in gnomAD. At this time, the clinical significance of this variant is uncertain due to the absence of conclusive functional and genetic evidence.

Labcorp Genetics (formerly Invitae), Labcorp
Classification: Uncertain significance. Last evaluated: 2024-01-02. Review status: criteria provided, single submitter. Criteria: Invitae Variant Classification Sherloc (09022015). Collection method: clinical testing. Allele origin: germline.
Comment: This sequence change replaces glutamic acid, which is acidic and polar, with alanine, which is neutral and non-polar, at codon 46 of the SCN3A protein (p.Glu46Ala). This variant is present in population databases (no rsID available, gnomAD 0.006%). This variant has not been reported in the literature in individuals affected with SCN3A-related conditions. ClinVar contains an entry for this variant (Variation ID: 641373). Advanced modeling of protein sequence and biophysical properties (such as structural, functional, and spatial information, amino acid conservation, physicochemical variation, residue mobility, and thermodynamic stability) has been performed at Invitae for this missense variant, however the output from this modeling did not meet the statistical confidence thresholds required to predict the impact of this variant on SCN3A protein function. In summary, the available evidence is currently insufficient to determine the role of this variant in disease. Therefore, it has been classified as a Variant of Uncertain Significance.

Blueprint Genetics
Classification: Uncertain significance. Last evaluated: 2022-07-12. Review status: criteria provided, single submitter. Criteria: ACMG Guidelines, 2015. Collection method: clinical testing. Allele origin: germline.

Fulgent Genetics
Classification: Uncertain significance for Epilepsy, familial focal, with variable foci 4; Developmental and epileptic encephalopathy, 62. Last evaluated: 2022-03-23. Review status: criteria provided, single submitter. Criteria: ACMG Guidelines, 2015. Collection method: clinical testing. Allele origin: unknown.